The following is an entry in ClinVar:

NM_005857.5(ZMPSTE24):c.*733A>G

Gene: ZMPSTE24 (zinc metallopeptidase STE24; plus strand). Cytogenetic location: 1p34.2.
Variant type: single nucleotide variant.
Coding change: c.*733A>G on transcript NM_005857.5 (MANE Select); 733 bases downstream of the stop codon, A replaced by G.
Molecular consequence: 3 prime UTR variant.
Genome position (GRCh38, 1-based): chr1:40,293,402, A>G. VCF-style: chr1-40293402-A-G. GRCh37 (hg19) VCF-style: chr1-40759074-A-G.
Identifiers: ClinVar variation 875156 (VCV000875156.4), dbSNP rs75849141, ClinGen allele CA21040129.

ClinVar aggregate classification (germline): Likely benign. Review status: criteria provided, single submitter (1 of 4 stars). 2 submissions from 1 submitter: Likely benign (2). Last evaluated 2018-01-12.

Conditions:
Mandibuloacral dysplasia with type B lipodystrophy (MADB). Also called: LIPODYSTROPHY, TYPE B, ASSOCIATED WITH MANDIBULOACRAL DYSPLASIA. Identifiers: Orphanet 2457, Orphanet 90154, MedGen C1837756, MONDO:0012074, OMIM 608612.
Lethal tight skin contracture syndrome. Also called: RESTRICTIVE DERMOPATHY, LETHAL; Restrictive dermopathy; FETAL HYPOKINESIA SEQUENCE DUE TO RESTRICTIVE DERMOPATHY; HYPERKERATOSIS-CONTRACTURE SYNDROME. Identifiers: Orphanet 1662, MedGen C0406585, MONDO:0031213.

Allele frequency attached by ClinVar (database versions not stated): 1000 Genomes Project 0.00319; 1000 Genomes Project 30x 0.00344; gnomAD 0.00424 and 0.00460; TOPMed 0.00471.

Submissions (2):

Illumina Laboratory Services, Illumina
Classification: Likely benign for Restrictive dermopathy 1. Last evaluated: 2018-01-12. Review status: criteria provided, single submitter. Criteria: ICSL Variant Classification Criteria 13 December 2019. Collection method: clinical testing. Allele origin: germline.
Comment: This variant was observed in the ICSL laboratory as part of a predisposition screen in an ostensibly healthy population. It had not been previously curated by ICSL or reported in the Human Gene Mutation Database (HGMD: prior to June 1st, 2018), and was therefore a candidate for classification through an automated scoring system. Utilizing variant allele frequency, disease prevalence and penetrance estimates, and inheritance mode, an automated score was calculated to assess if this variant is too frequent to cause the disease. Based on the score and internal cut-off values, a variant classified as likely benign is not then subjected to further curation. The score for this variant resulted in a classification of likely benign for this disease.

Illumina Laboratory Services, Illumina
Classification: Likely benign for Mandibuloacral dysplasia with type B lipodystrophy. Last evaluated: 2018-01-12. Review status: criteria provided, single submitter. Criteria: ICSL Variant Classification Criteria 13 December 2019. Collection method: clinical testing. Allele origin: germline.
Comment: the same text as in the submission from Illumina Laboratory Services, Illumina above.